The following is an entry in ClinVar:

ClinVar aggregate classification (germline): Uncertain significance (1 of 4 stars; one submission).

Submission:

Labcorp Genetics (formerly Invitae), Labcorp
Classification: Uncertain significance. Last evaluated: 2022-06-05. Review status: criteria provided, single submitter. Criteria: Invitae Variant Classification Sherloc (09022015). Collection method: clinical testing. Allele origin: germline.
Comment: This variant, c.667_668ins48, results in the insertion of 16 amino acid(s) of the SAMD11 protein (p.Asp222_Pro223ins16), but otherwise preserves the integrity of the reading frame. This variant is present in population databases (no rsID available, gnomAD 0.0009%). This variant has not been reported in the literature in individuals affected with SAMD11-related conditions. ClinVar contains an entry for this variant (Variation ID: 1479161). Algorithms developed to predict the effect of sequence changes on RNA splicing suggest that this variant may disrupt the consensus splice site. In summary, the available evidence is currently insufficient to determine the role of this variant in disease. Therefore, it has been classified as a Variant of Uncertain Significance.

NM_001385641.1(SAMD11):c.1195+9_1195+10insTACCCTGGCATGATCCCCCTCATCACCTCCCCAGCCACGGTGAGGACC

Gene: SAMD11 (sterile alpha motif domain containing 11; plus strand). Cytogenetic location: 1p36.33.
Variant type: Insertion.
Coding change: c.1195+9_1195+10insTACCCTGGCATGATCCCCCTCATCACCTCCCCAGCCACGGTGAGGACC on transcript NM_001385641.1 (MANE Select); bases 9 to 10 of the intron after coding-DNA position 1195, TACCCTGGCATGATCCCCCTCATCACCTCCCCAGCCACGGTGAGGACC inserted.
Molecular consequence: splice donor variant. On other transcripts: inframe insertion (1).
Genome position: GRCh38: chr1:939,421-939,422. GRCh37 (hg19): chr1:874,801-874,802.
Other names: c.667_668insTACCCTGGCATGATCCCCCTCATCACCTCCCCAGCCACGGTGAGGACC, p.Asp222_Pro223insLeuProTrpHisAspProProHisHisLeuProSerHisGlyGluAsp (NM_152486.4); c.1198+9_1198+10insTACCCTGGCATGATCCCCCTCATCACCTCCCCAGCCACGGTGAGGACC (NM_001385640.1).
Identifiers: ClinVar variation 1479161 (VCV001479161.6), dbSNP rs1557607457, ClinGen allele CA502734.